The following is an entry in ClinVar:

ClinVar aggregate classification (germline): Pathogenic (1 of 4 stars; one submission).

Conditions:
Emery-Dreifuss muscular dystrophy 4, autosomal dominant (EDMD4). Also called: EMERY-DREIFUSS MUSCULAR DYSTROPHY 4 WITH VARIABLE FEATURES. Identifiers: Orphanet 261, MedGen C2751807, MONDO:0013071, OMIM 612998.
Autosomal recessive ataxia, Beauce type. Also called: Spinocerebellar ataxia, autosomal recessive 8; ATAXIA, RECESSIVE, OF BEAUCE; SYNE1-Related Autosomal Recessive Cerebellar Ataxia; SYNE1 Deficiency. Identifiers: Orphanet 88644, MedGen C1853116, MONDO:0012549, OMIM 610743.

Submission:

Labcorp Genetics (formerly Invitae), Labcorp
Classification: Pathogenic for Emery-Dreifuss muscular dystrophy 4, autosomal dominant; Autosomal recessive ataxia, Beauce type. Last evaluated: 2025-03-07. Review status: criteria provided, single submitter. Criteria: Invitae Variant Classification Sherloc (09022015). Collection method: clinical testing. Allele origin: germline.
Comment: This sequence change creates a premature translational stop signal (p.Ile5430Glufs*3) in the SYNE1 gene. It is expected to result in an absent or disrupted protein product. Loss-of-function variants in SYNE1 are known to be pathogenic (PMID: 19542096, 24319099, 27086870). This variant is not present in population databases (gnomAD no frequency). This variant has not been reported in the literature in individuals affected with SYNE1-related conditions. For these reasons, this variant has been classified as Pathogenic.

Literature cited by the submitters: PubMed 19542096; PubMed 24319099; PubMed 27086870.

NM_182961.4(SYNE1):c.16501_16504del (p.Ile5501fs)

Gene: SYNE1 (spectrin repeat containing nuclear envelope protein 1; minus strand). Cytogenetic location: 6q25.2.
Variant type: Deletion.
Coding change: c.16501_16504del on transcript NM_182961.4 (MANE Select); coding-DNA positions 16501 to 16504, 4 bases deleted (ATAG; older notation c.16501_16504delATAG).
Protein change: p.Ile5501fs; shifts the reading frame from isoleucine 5501.
Molecular consequence: frameshift variant.
Genome position (GRCh38, 1-based): chr6:152,318,149-152,318,152, CTAT deleted on the plus strand (ATAG on the coding strand, the reverse complement: SYNE1 is on the minus strand); deleting any 4 consecutive bases within chr6:152,318,149-152,318,154 gives the same sequence; the c. name uses the placement nearest the transcript's 3' end. VCF-style (leftmost placement, unchanged base first): chr6-152318148-CCTAT-C. GRCh37 (hg19) VCF-style: chr6-152639283-CCTAT-C.
Other names: c.16288_16291del, p.Ile5430fs (NM_033071.5); short protein forms I5430fs, I5501fs.
Identifiers: ClinVar variation 3760182 (VCV003760182.2).
Genomic context (GRCh38, chr6:152,318,148, plus strand): 5'-AGCTTGGAGAGCCGATTCTCAGCTTGTCTAATGGTCTGCTGGTGAAGTTCAGTCAGTTTT[CCTAT>C]CTTCTTGGCCAGTGGCTTACCCAGTTGGCCATTCTGTTCCAAGAATTTCTGTACTGCTGC-3'